The following is an entry in ClinVar:

NM_003718.5(CDK13):c.4093C>T (p.Arg1365Ter)

Gene: CDK13 (cyclin dependent kinase 13; plus strand). Cytogenetic location: 7p14.1.
Variant type: single nucleotide variant.
Coding change: c.4093C>T on transcript NM_003718.5 (MANE Select); coding-DNA position 4093, C replaced by T.
Protein change: p.Arg1365Ter; replaces arginine 1365 with a stop codon.
Molecular consequence: nonsense.
Genome position (GRCh38, 1-based): chr7:40,094,534, C>T. VCF-style: chr7-40094534-C-T. GRCh37 (hg19) VCF-style: chr7-40134133-C-T.
Other names: c.3913C>T, p.Arg1305Ter (NM_031267.4); short protein forms R1305*, R1365*.
Identifiers: ClinVar variation 2499039 (VCV002499039.30), dbSNP rs780622290, ClinGen allele CA367296424.

ClinVar aggregate classification (germline): Uncertain significance. Review status: criteria provided, multiple submitters, no conflicts (2 of 4 stars). 2 submissions from 2 submitters: Uncertain significance (2). Last evaluated 2024-11-13.

gnomAD v4.1: 2 of 1,611,804 alleles (0.00012%); highest among the groups gnomAD compares: South Asian, 0.0011%; no homozygotes.

Submissions (2):

Labcorp Genetics (formerly Invitae), Labcorp
Classification: Uncertain significance. Last evaluated: 2024-11-13. Review status: criteria provided, single submitter. Criteria: Invitae Variant Classification Sherloc (09022015). Collection method: clinical testing. Allele origin: germline.
Comment: This sequence change creates a premature translational stop signal (p.Arg1365*) in the CDK13 gene. While this is not anticipated to result in nonsense mediated decay, it is expected to disrupt the last 148 amino acid(s) of the CDK13 protein. This variant is not present in population databases (gnomAD no frequency). This variant has not been reported in the literature in individuals affected with CDK13-related conditions. ClinVar contains an entry for this variant (Variation ID: 2499039). In summary, the available evidence is currently insufficient to determine the role of this variant in disease. Therefore, it has been classified as a Variant of Uncertain Significance.

CeGaT Center for Human Genetics Tuebingen
Classification: Uncertain significance. Last evaluated: 2023-03-01. Review status: criteria provided, single submitter. Criteria: CeGaT Center For Human Genetics Tuebingen Variant Classification Criteria Version 2. Collection method: clinical testing. Allele origin: germline. Affected: yes. Observed: 1 variant allele.
Comment: CDK13: PM2, PVS1:Moderate